The following is an entry in ClinVar:

ClinVar aggregate classification (germline): Uncertain significance (1 of 4 stars; one submission).

Conditions:
Hereditary nonpolyposis colorectal neoplasms. Identifiers: MedGen C0009405, MeSH D003123.

Submission:

Labcorp Genetics (formerly Invitae), Labcorp
Classification: Uncertain significance for Hereditary nonpolyposis colorectal neoplasms. Last evaluated: 2023-04-01. Review status: criteria provided, single submitter. Criteria: Invitae Variant Classification Sherloc (09022015). Collection method: clinical testing. Allele origin: germline.
Comment: In summary, the available evidence is currently insufficient to determine the role of this variant in disease. Therefore, it has been classified as a Variant of Uncertain Significance. Advanced modeling of protein sequence and biophysical properties (such as structural, functional, and spatial information, amino acid conservation, physicochemical variation, residue mobility, and thermodynamic stability) performed at Invitae indicates that this missense variant is not expected to disrupt MSH6 protein function. This variant has not been reported in the literature in individuals affected with MSH6-related conditions. This variant is not present in population databases (gnomAD no frequency). This sequence change replaces asparagine, which is neutral and polar, with tyrosine, which is neutral and polar, at codon 827 of the MSH6 protein (p.Asn827Tyr).

NM_000179.3(MSH6):c.2479A>T (p.Asn827Tyr)

Gene: MSH6 (mutS homolog 6; plus strand). Cytogenetic location: 2p16.3.
Variant type: single nucleotide variant.
Coding change: c.2479A>T on transcript NM_000179.3 (MANE Select); coding-DNA position 2479, A replaced by T.
Protein change: p.Asn827Tyr; replaces asparagine 827 with tyrosine.
Molecular consequence: missense variant. On other transcripts: non-coding transcript variant (5), intron variant (3).
Genome position (GRCh38, 1-based): chr2:47,800,462, A>T. VCF-style: chr2-47800462-A-T. GRCh37 (hg19) VCF-style: chr2-48027601-A-T.
Other names: c.2089A>T, p.Asn697Tyr (NM_001281492.2); c.1573A>T, p.Asn525Tyr (NM_001281493.2, NM_001281494.2, NM_001406823.1 and 6 more transcripts); c.2575A>T, p.Asn859Tyr (NM_001406795.1, NM_001406802.1); c.2479A>T, p.Asn827Tyr (NM_001406796.1, NM_001406798.1, NM_001406800.1 and 2 more transcripts); c.2182A>T, p.Asn728Tyr (NM_001406797.1, NM_001406801.1, NM_001406805.1 and 10 more transcripts); c.1954A>T, p.Asn652Tyr (NM_001406799.1, NM_001406806.1, NM_001406807.1); c.2401A>T, p.Asn801Tyr (NM_001406804.1); c.2311A>T, p.Asn771Tyr (NM_001406826.1); and 4 more; short protein forms N728Y, N829Y, N697Y, N859Y, N525Y, N652Y, N771Y, N801Y.
Identifiers: ClinVar variation 2851346 (VCV002851346.3), dbSNP rs878853716, ClinGen allele CA346754163.